The following is an entry in ClinVar:

NM_182493.3(MYLK3):c.234T>C (p.Ala78=)

Gene: MYLK3 (myosin light chain kinase 3; minus strand). Cytogenetic location: 16q11.2.
Variant type: single nucleotide variant.
Coding change: c.234T>C on transcript NM_182493.3 (MANE Select); coding-DNA position 234, T replaced by C.
Protein change: p.Ala78=; no amino-acid change (alanine 78 retained).
Molecular consequence: synonymous variant. On other transcripts: intron variant (1).
Genome position (GRCh38, 1-based): chr16:46,747,960, A>G on the plus strand (T>C on the coding strand, the complement: MYLK3 is on the minus strand). VCF-style: chr16-46747960-A-G. GRCh37 (hg19) VCF-style: chr16-46781872-A-G.
Other names: p.Ala78=; c.-113-7813T>C (NM_001308301.1).
Identifiers: ClinVar variation 1565559 (VCV001565559.9), dbSNP rs548409834, ClinGen allele CA8038294.

ClinVar aggregate classification (germline): Benign/Likely benign. Review status: criteria provided, multiple submitters, no conflicts (2 of 4 stars). 2 submissions from 2 submitters: Benign (1); Likely benign (1). Last evaluated 2026-01-05.

Allele frequency attached by ClinVar (database versions not stated): gnomAD exomes 0.00004 and 0.00030; gnomAD 0.00009 and 0.00010; TOPMed 0.00014; 1000 Genomes Project 30x 0.00016; 1000 Genomes Project 0.00020; ExAC 0.00030.
gnomAD v4.1: 68 of 1,613,162 alleles (0.0042%); highest among the groups gnomAD compares: East Asian, 0.14%; no homozygotes.

Submissions (2):

Labcorp Genetics (formerly Invitae), Labcorp
Classification: Benign. Last evaluated: 2026-01-05. Review status: criteria provided, single submitter. Criteria: Invitae Variant Classification Sherloc (09022015). Collection method: clinical testing. Allele origin: germline.

Mayo Clinic Laboratories, Mayo Clinic
Classification: Likely benign. Last evaluated: 2025-06-19. Review status: criteria provided, single submitter. Criteria: ACMG Guidelines, 2015. Collection method: clinical testing. Allele origin: germline. Observed: 1 variant allele.
Comment: BS1, BP4, BP7